The following is an entry in ClinVar:

ClinVar aggregate classification (germline): Uncertain significance (1 of 4 stars; one submission).

Conditions:
RAF1-related disorder. Also called: RAF1-related disorders; RAF1-related condition.

Submission:

PreventionGenetics, part of Exact Sciences
Classification: Uncertain significance for RAF1-related condition. Last evaluated: 2023-03-27. Review status: criteria provided, single submitter. Criteria: ACMG Guidelines, 2015. Collection method: clinical testing. Allele origin: germline.
Comment: The RAF1 c.1336A>G variant is predicted to result in the amino acid substitution p.Ile446Val. To our knowledge, this variant has not been reported in the literature or in a large population database, indicating this variant is rare. At this time, the clinical significance of this variant is uncertain due to the absence of conclusive functional and genetic evidence.

NM_002880.4(RAF1):c.1336A>G (p.Ile446Val)

Gene: RAF1 (Raf-1 proto-oncogene, serine/threonine kinase; minus strand). Cytogenetic location: 3p25.2.
Variant type: single nucleotide variant.
Coding change: c.1336A>G on transcript NM_002880.4 (MANE Select); coding-DNA position 1336, A replaced by G.
Protein change: p.Ile446Val; replaces isoleucine 446 with valine.
Molecular consequence: missense variant. On other transcripts: non-coding transcript variant (3).
Genome position (GRCh38, 1-based): chr3:12,590,832, T>C on the plus strand (A>G on the coding strand, the complement: RAF1 is on the minus strand). VCF-style: chr3-12590832-T-C. GRCh37 (hg19) VCF-style: chr3-12632331-T-C.
Other names: c.1396A>G, p.Ile466Val (NM_001354689.3); c.1336A>G, p.Ile446Val (NM_001354690.3); c.1093A>G, p.Ile365Val (NM_001354691.3, NM_001354692.3); c.1237A>G, p.Ile413Val (NM_001354693.3); c.1153A>G, p.Ile385Val (NM_001354694.3); c.994A>G, p.Ile332Val (NM_001354695.3); short protein forms I385V, I413V, I446V, I466V, I332V, I365V.
Identifiers: ClinVar variation 2630338 (VCV002630338.1), dbSNP rs2125342874, ClinGen allele CA351501788.
Genomic context (GRCh38, chr3:12,590,832, plus strand): 5'-AGAGAGGCATCAGACCATCTACTCACTCCATTCCCTGAGCCGTCTGCCGGGCAATGTCAA[T>C]TAGCTGGAACATCTGAAACTTGGTCTCCTGGACATGCAGGTGTTTGTAGAGGCTGCTGCC-3'
Protein context (NP_002871.1, residues 436-456): QETKFQMFQL[Ile446Val]DIARQTAQGM